The following is an entry in ClinVar:

ClinVar aggregate classification (germline): Conflicting classifications of pathogenicity. Review status: criteria provided, conflicting classifications (1 of 4 stars). 23 submissions from 23 submitters: Uncertain significance (5); Benign (4); Likely benign (5). 9 of the submissions do not count toward it. Last evaluated 2026-08-01.

Conditions:
CDKN2A-related disorder. Also called: CDKN2A-related condition.
Hereditary cancer-predisposing syndrome. Also called: Neoplastic Syndromes, Hereditary; Tumor predisposition; Hereditary Cancer Syndrome; Hereditary neoplastic syndrome. Identifiers: Orphanet 140162, MedGen C0027672, MeSH D009386, MONDO:0015356.
Familial melanoma. Also called: Hereditary melanoma; Hereditary cutaneous melanoma. Identifiers: Orphanet 618, MedGen C1512419, MONDO:0018961.
Melanoma-pancreatic cancer syndrome. Identifiers: Orphanet 404560, MedGen C1838547, MONDO:0011713, OMIM 606719. Disease mechanism: loss of function.

Allele frequency attached by ClinVar (database versions not stated): 1000 Genomes Project 0.00120; gnomAD exomes 0.00202; gnomAD 0.00212 and 0.00197; ExAC 0.00215; ESP Exome Variant Server 0.00292; 1000 Genomes Project 30x 0.00094; TOPMed 0.00237.
gnomAD v4.1: 4,229 of 1,614,214 alleles (0.26%); highest among the groups gnomAD compares: Non-Finnish European, 0.33%; 7 homozygotes.

Submissions (23):

CeGaT Center for Human Genetics Tuebingen
Classification: Benign. Last evaluated: 2026-08-01. Review status: criteria provided, single submitter. Criteria: CeGaT Center For Human Genetics Tuebingen Variant Classification Criteria Version 2. Collection method: clinical testing. Allele origin: germline. Affected: yes. Observed: 34 variant alleles.
Comment: CDKN2A: BS1, BS2

Dasa
Classification: Uncertain significance. Last evaluated: 2026-01-26. Review status: criteria provided, single submitter. Criteria: DASA Assertion Criteria. Collection method: clinical testing. Allele origin: germline.
Comment: NM_058197.5(CDKN2A):c.187G>C (p.Gly63Arg) is a missense variant that results in the substitution of glycine with arginine. This classification is supported by population frequency inconsistent with a disease-causing role. The currently available literature and clinical evidence are not sufficient to establish a definitive association between this variant and the reported condition. Therefore, this variant is classified as a variant of uncertain significance.

Labcorp Genetics (formerly Invitae), Labcorp
Classification: Benign for Familial melanoma. Last evaluated: 2025-11-17. Review status: criteria provided, single submitter. Criteria: Invitae Variant Classification Sherloc (09022015). Collection method: clinical testing. Allele origin: germline.

Laboratorio de I+D, Fundación Centro Médico de Asturias
Classification: Benign for Hereditary cancer-predisposing syndrome. Last evaluated: 2025-07-09. Review status: criteria provided, single submitter. Criteria: ACMG Guidelines, 2015. Collection method: clinical testing. Allele origin: germline.
Comment: BS1+BS2+BP4_Strong

ARUP Laboratories, Molecular Genetics and Genomics, ARUP Laboratories
Classification: Likely benign. Last evaluated: 2025-05-06. Review status: criteria provided, single submitter. Criteria: ARUP Molecular Germline Variant Investigation Process 2024. Collection method: clinical testing. Allele origin: germline.

Center for Genomic Medicine, Rigshospitalet, Copenhagen University Hospital
Classification: Uncertain significance. Last evaluated: 2025-03-04. Review status: criteria provided, single submitter. Criteria: ACMG Guidelines, 2015. Collection method: clinical testing. Allele origin: germline.

Blueprint Genetics
Classification: Likely benign. Last evaluated: 2024-11-26. Review status: criteria provided, single submitter. Criteria: ACMG Guidelines, 2015. Collection method: clinical testing. Allele origin: germline.

Myriad Genetics, Inc.
Classification: Benign for Melanoma-pancreatic cancer syndrome. Last evaluated: 2023-04-20. Review status: criteria provided, single submitter. Criteria: Myriad Autosomal Dominant, Autosomal Recessive and X-Linked Classification Criteria (2023). Collection method: clinical testing. Allele origin: unknown.
Comment: This variant is considered benign. This variant is intronic and is not expected to impact mRNA splicing.

Institute for Clinical Genetics, University Hospital TU Dresden, University Hospital TU Dresden
Classification: Uncertain significance. Last evaluated: 2021-11-03. Review status: criteria provided, single submitter. Criteria: ACMG Guidelines, 2015. Collection method: clinical testing. Allele origin: germline.

Sema4
Classification: Likely benign for Hereditary cancer-predisposing syndrome. Last evaluated: 2021-07-28. Review status: criteria provided, single submitter. Criteria: Sema4 Curation Guidelines. Collection method: curation. Allele origin: germline.

Ambry Genetics
Classification: Uncertain significance for Hereditary cancer-predisposing syndrome. Last evaluated: 2019-10-25. Review status: criteria provided, single submitter. Criteria: Ambry Variant Classification Scheme 2023. Collection method: clinical testing. Allele origin: germline.
Comment: The p.G63R variant (also known as c.187G>C), located in coding exon 1 of the CDKN2A gene, results from a G to C substitution at nucleotide position 187. The glycine at codon 63 is replaced by arginine, an amino acid with dissimilar properties. This variant has been reported in individuals with single primary melanoma and with multiple primary melanomas (Goldstein AM et al. J. Med. Genet. 2008 May;45:284-9; Pastorino L et al. Pigment Cell Melanoma Res. 2008 Dec;21:700-9; Bruno W et al. J. Am. Acad. Dermatol. 2016 Feb;74:325-32). However, in other studies this variant has been reported in both melanoma cases controls (Harland M et al. Hered Cancer Clin Pract. 2014 Nov;12:20). Using a minigene assay to investigate mRNA splicing regulation, this variant had a differential splicing pattern from wild-type (Balogh K et al. Br. J. Dermatol. 2012 Jul;167:131-3). This variant has also been reported in studies of patients with pancreatic cancer (Ghiorzo P et al. J. Med. Genet. 2012 Mar;49:164-70; Grant RC et al. Gastroenterology. 2015 Mar;148:556-64). It was also identified in a cohort of 681 ancestrally diverse, healthy subjects (Bodian DL et al. PLoS ONE. 2014 Apr;9:e94554); and it was detected as a secondary finding in 4 out of 567 ClinSeq participants, unselected for personal or family history of cancer, who underwent exome sequencing (Johnston JJ et al. Am. J. Hum. Genet. 2012 Jul;91:97-108). This amino acid position is poorly conserved in available vertebrate species. Of note, this alteration is also designated as c.150+37G>C and IVS150+37G>C in the published literature. Since supporting evidence is conflicting at this time, the clinical significance of this alteration remains unclear.

Mendelics
Classification: Likely benign for Melanoma-pancreatic cancer syndrome. Last evaluated: 2019-05-28. Review status: criteria provided, single submitter. Criteria: Mendelics Assertion Criteria 2017. Collection method: clinical testing. Allele origin: unknown.

Laboratory for Molecular Medicine, Mass General Brigham Personalized Medicine
Classification: Uncertain significance. Last evaluated: 2016-03-28. Review status: criteria provided, single submitter. Criteria: LMM Criteria. Collection method: clinical testing. Allele origin: germline.
Comment: Variant identified in a genome or exome case(s) and assessed due to predicted null impact of the variant or pathogenic assertions in the literature or databases. Disclaimer: This variant has not undergone full assessment. The following are preliminary notes: Reported in a family with melanoma, segregated in 2 individuals with atypical naevi and 1 with melanoma (Balogh 2012). MAF 0.3%.

GeneDx
Classification: Likely benign. Last evaluated: 2014-02-26. Review status: criteria provided, single submitter. Criteria: GeneDx Variant Classification (06012015). Collection method: clinical testing. Allele origin: germline. Affected: yes.
Comment: This variant is considered likely benign or benign based on one or more of the following criteria: it is a conservative change, it occurs at a poorly conserved position in the protein, it is predicted to be benign by multiple in silico algorithms, and/or has population frequency not consistent with disease.

PreventionGenetics, part of Exact Sciences
Classification: Likely benign for CDKN2A-related condition. Last evaluated: 2020-02-07. Review status: no assertion criteria provided. Collection method: clinical testing. Allele origin: germline. Not counted in ClinVar's aggregate classification.
Comment: This variant is classified as likely benign based on ACMG/AMP sequence variant interpretation guidelines (Richards et al. 2015 PMID: 25741868, with internal and published modifications).

Counsyl
Classification: Uncertain significance for Melanoma-pancreatic cancer syndrome. Last evaluated: 2016-06-20. Review status: no assertion criteria provided. Collection method: clinical testing. Allele origin: unknown. Not counted in ClinVar's aggregate classification.

ITMI
No classification provided. Condition: AllHighlyPenetrant. Last evaluated: 2013-09-19. Review status: no classification provided. Collection method: reference population. Allele origin: germline. Not counted in ClinVar's aggregate classification.
Comment: Please see associated publication for description of ethnicities

Biesecker Lab/Clinical Genomics Section, National Institutes of Health
Classification: Uncertain significance. Last evaluated: 2012-07-13. Review status: no assertion criteria provided. Collection method: research. Allele origin: germline. Affected: no. Observed: 4 variant alleles. Study: ClinSeq. Not counted in ClinVar's aggregate classification.
Comment: The accession SCV000043154.1 was assigned erroneously to two variants. SCV000043154.1 represents NM_007294.3:c.4903G>A; NM_000077.4:c.150+37G>C is now represented by SCV000043254.1.
ClinVar note: Converted during submission from variant of unknown significance to Uncertain significance.

Clinical Genetics DNA and cytogenetics Diagnostics Lab, Erasmus MC, Erasmus Medical Center
Classification: Likely benign. Review status: no assertion criteria provided. Collection method: clinical testing. Allele origin: germline. Affected: yes. Study: VKGL Data-share Consensus. Not counted in ClinVar's aggregate classification.

Clinical Genetics Laboratory, Department of Pathology, Netherlands Cancer Institute
Classification: Likely benign. Review status: no assertion criteria provided. Collection method: clinical testing. Allele origin: germline. Affected: yes. Study: VKGL Data-share Consensus. Not counted in ClinVar's aggregate classification.

Diagnostic Laboratory, Department of Genetics, University Medical Center Groningen
Classification: Likely benign. Review status: no assertion criteria provided. Collection method: clinical testing. Allele origin: germline. Affected: yes. Study: VKGL Data-share Consensus. Not counted in ClinVar's aggregate classification.

Genome Diagnostics Laboratory, Amsterdam University Medical Center
Classification: Likely benign. Review status: no assertion criteria provided. Collection method: clinical testing. Allele origin: germline. Affected: yes. Study: VKGL Data-share Consensus. Not counted in ClinVar's aggregate classification.

Joint Genome Diagnostic Labs from Nijmegen and Maastricht, Radboudumc and MUMC+
Classification: Likely benign. Review status: no assertion criteria provided. Collection method: clinical testing. Allele origin: germline. Affected: yes. Study: VKGL Data-share Consensus. Not counted in ClinVar's aggregate classification.

Literature cited by the submitters: PubMed 22292911 (cited by 4 submitters); PubMed 11556834 (cited by Center for Genomic Medicine, Rigshospitalet, Copenhagen University Hospital and Ambry Genetics); PubMed 25780468 (cited by 3 submitters); PubMed 26775776 (cited by 3 submitters); PubMed 18983535 (cited by Sema4 and Ambry Genetics); PubMed 18178632 (cited by Ambry Genetics); PubMed 19320745 (cited by Ambry Genetics); PubMed 22368299 (cited by Ambry Genetics and Counsyl); PubMed 24728327 (cited by 3 submitters); PubMed 25479140 (cited by Ambry Genetics); PubMed 28830827 (cited by Ambry Genetics).

NM_000077.5(CDKN2A):c.150+37G>C

Gene: CDKN2A (cyclin dependent kinase inhibitor 2A; minus strand). Cytogenetic location: 9p21.3.
Variant type: single nucleotide variant.
Coding change: c.150+37G>C on transcript NM_000077.5 (MANE Select); 37 bases into the intron after coding-DNA position 150, G replaced by C.
Molecular consequence: intron variant. On other transcripts: missense variant (1).
Genome position (GRCh38, 1-based): chr9:21,974,641, C>G on the plus strand (G>C on the coding strand, the complement: CDKN2A is on the minus strand). VCF-style: chr9-21974641-C-G. GRCh37 (hg19) VCF-style: chr9-21974640-C-G.
Other names: IVS1+37G>C; c.187G>C, p.Gly63Arg (NM_058197.5); c.-3-3433G>C (NM_001363763.2); c.194-3433G>C (NM_058195.4); c.150+37G>C (NM_001195132.2); short protein forms G63R.
Identifiers: ClinVar variation 41573 (VCV000041573.88), dbSNP rs45456595, ClinGen allele CA158086.